The following is an entry in ClinVar:

ClinVar aggregate classification (germline): Uncertain significance. Review status: criteria provided, multiple submitters, no conflicts (2 of 4 stars). 4 submissions from 4 submitters: Uncertain significance (4). Last evaluated 2024-10-07.

Conditions:
Autosomal recessive spinocerebellar ataxia 12. Also called: SPINOCEREBELLAR ATAXIA WITH MENTAL RETARDATION AND EPILEPSY. Identifiers: Orphanet 284282, MedGen C3280452, MONDO:0013687, OMIM 614322.
Developmental and epileptic encephalopathy, 1 (DEE1). Also called: Epileptic encephalopathy, early infantile, 1; X-linked infantile spasms; West's syndrome; Tonic spasms with clustering, arrest of psychomotor development and hypsarrhythmia on EEG; X-Linked Infantile Spasm Syndrome; OHTAHARA SYNDROME, X-LINKED. Identifiers: MedGen C3463992, MONDO:0010632, OMIM 308350. Disease mechanism: loss of function.

Allele frequency attached by ClinVar (database versions not stated): TOPMed 0.00006; gnomAD 0.00007 and 0.00008; gnomAD exomes 0.00008; ExAC 0.00011; 1000 Genomes Project 30x 0.00016; ESP Exome Variant Server 0.00016; 1000 Genomes Project 0.00020.
gnomAD v4.1: 116 of 1,614,146 alleles (0.0072%); highest among the groups gnomAD compares: Non-Finnish European, 0.0097%; 1 homozygote.

Submissions (4):

Labcorp Genetics (formerly Invitae), Labcorp
Classification: Uncertain significance for Developmental and epileptic encephalopathy, 1; Autosomal recessive spinocerebellar ataxia 12. Last evaluated: 2024-10-07. Review status: criteria provided, single submitter. Criteria: Invitae Variant Classification Sherloc (09022015). Collection method: clinical testing. Allele origin: germline.
Comment: This sequence change replaces alanine, which is neutral and non-polar, with valine, which is neutral and non-polar, at codon 212 of the WWOX protein (p.Ala212Val). This variant is present in population databases (rs202006159, gnomAD 0.02%). This variant has not been reported in the literature in individuals affected with WWOX-related conditions. ClinVar contains an entry for this variant (Variation ID: 437304). Invitae Evidence Modeling of protein sequence and biophysical properties (such as structural, functional, and spatial information, amino acid conservation, physicochemical variation, residue mobility, and thermodynamic stability) indicates that this missense variant is expected to disrupt WWOX protein function with a positive predictive value of 80%. In summary, the available evidence is currently insufficient to determine the role of this variant in disease. Therefore, it has been classified as a Variant of Uncertain Significance.

Blueprint Genetics
Classification: Uncertain significance. Last evaluated: 2024-06-13. Review status: criteria provided, single submitter. Criteria: ACMG Guidelines, 2015. Collection method: clinical testing. Allele origin: germline.

GeneDx
Classification: Uncertain significance. Last evaluated: 2024-03-13. Review status: criteria provided, single submitter. Criteria: GeneDx Variant Classification Process June 2021. Collection method: clinical testing. Allele origin: germline. Affected: yes.
Comment: In silico analysis supports that this missense variant has a deleterious effect on protein structure/function; Has not been previously published as pathogenic or benign to our knowledge; This variant is associated with the following publications: (PMID: 25411445)

Genetic Services Laboratory, University of Chicago
Classification: Uncertain significance. Last evaluated: 2016-08-12. Review status: criteria provided, single submitter. Criteria: ACMG Guidelines, 2015. Collection method: clinical testing. Allele origin: germline. Affected: no.

NM_016373.4(WWOX):c.635C>T (p.Ala212Val)

Gene: WWOX (WW domain containing oxidoreductase; plus strand). Cytogenetic location: 16q23.1.
Variant type: single nucleotide variant.
Coding change: c.635C>T on transcript NM_016373.4 (MANE Select); coding-DNA position 635, C replaced by T.
Protein change: p.Ala212Val; replaces alanine 212 with valine.
Molecular consequence: missense variant.
Genome position (GRCh38, 1-based): chr16:78,424,899, C>T. VCF-style: chr16-78424899-C-T. GRCh37 (hg19) VCF-style: chr16-78458796-C-T.
Other names: c.296C>T, p.Ala99Val (NM_001291997.2); c.635C>T (NM_016373.2); short protein forms A212V, A99V.
Identifiers: ClinVar variation 437304 (VCV000437304.15), dbSNP rs202006159, ClinGen allele CA8183397.